The following is an entry in ClinVar:

NM_005732.4(RAD50):c.1452+2T>C

Gene: RAD50 (RAD50 double strand break repair protein; plus strand). Cytogenetic location: 5q31.1.
Variant type: single nucleotide variant.
Coding change: c.1452+2T>C on transcript NM_005732.4 (MANE Select); the canonical splice donor site of the intron after coding-DNA position 1452, T replaced by C.
Molecular consequence: splice donor variant.
Genome position (GRCh38, 1-based): chr5:132,589,839, T>C. VCF-style: chr5-132589839-T-C. GRCh37 (hg19) VCF-style: chr5-131925531-T-C.
Identifiers: ClinVar variation 1516191 (VCV001516191.6), dbSNP rs2149841600, ClinGen allele CA360945049.
Genomic context (GRCh38, chr5:132,589,839, plus strand): 5'-AGCAGTTGGAAGGATCTTCAGACAGGATTCTTGAACTGGACCAGGAGCTCATAAAAGCTG[T>C]AAGATATTGTTTGAATAATCTAATAATTTTAAGATATAATACTTTTAGAAGTATTTTGTC-3'

ClinVar aggregate classification (germline): Likely pathogenic (1 of 4 stars; one submission).

Conditions:
Hereditary cancer-predisposing syndrome. Also called: Tumor predisposition; Neoplastic Syndromes, Hereditary; Hereditary neoplastic syndrome; Hereditary Cancer Syndrome. Identifiers: Orphanet 140162, MedGen C0027672, MeSH D009386, MONDO:0015356.

Submission:

Labcorp Genetics (formerly Invitae), Labcorp
Classification: Likely pathogenic for Hereditary cancer-predisposing syndrome. Last evaluated: 2021-09-29. Review status: criteria provided, single submitter. Criteria: Invitae Variant Classification Sherloc (09022015). Collection method: clinical testing. Allele origin: germline.
Comment: In summary, the currently available evidence indicates that the variant is pathogenic, but additional data are needed to prove that conclusively. Therefore, this variant has been classified as Likely Pathogenic. Algorithms developed to predict the effect of sequence changes on RNA splicing suggest that this variant may disrupt the consensus splice site. This variant has not been reported in the literature in individuals affected with RAD50-related conditions. This variant is not present in population databases (ExAC no frequency). This sequence change affects a donor splice site in intron 9 of the RAD50 gene. It is expected to disrupt RNA splicing. Variants that disrupt the donor or acceptor splice site typically lead to a loss of protein function (PMID: 16199547), and loss-of-function variants in RAD50 are known to be pathogenic (PMID: 19409520).

Literature cited by the submitters: PubMed 16199547; PubMed 19409520.